The following is an entry in ClinVar:

NM_006005.3(WFS1):c.1513T>G (p.Cys505Gly)

Gene: WFS1 (wolframin ER transmembrane glycoprotein; plus strand). Cytogenetic location: 4p16.1.
Variant type: single nucleotide variant.
Coding change: c.1513T>G on transcript NM_006005.3 (MANE Select); coding-DNA position 1513, T replaced by G.
Protein change: p.Cys505Gly; replaces cysteine 505 with glycine.
Molecular consequence: missense variant.
Genome position (GRCh38, 1-based): chr4:6,301,308, T>G. VCF-style: chr4-6301308-T-G. GRCh37 (hg19) VCF-style: chr4-6303035-T-G.
Other names: c.1513T>G, p.Cys505Gly (NM_001145853.1); short protein forms C505G.
Identifiers: ClinVar variation 2710025 (VCV002710025.4), dbSNP rs1265997912, ClinGen allele CA356175778.

ClinVar aggregate classification (germline): Uncertain significance. Review status: criteria provided, multiple submitters, no conflicts (2 of 4 stars). 2 submissions from 2 submitters: Uncertain significance (2). Last evaluated 2024-12-24.

Conditions:
Inborn genetic diseases. Identifiers: MedGen C0950123, MeSH D030342.

Allele frequency attached by ClinVar (database versions not stated): TOPMed below 0.00001; gnomAD 0.00001.
gnomAD v4.1: 1 of 1,611,424 alleles (0.000062%); highest among the groups gnomAD compares: Non-Finnish European, 0.000085%; no homozygotes.

Submissions (2):

Ambry Genetics
Classification: Uncertain significance for Inborn genetic diseases. Last evaluated: 2024-12-24. Review status: criteria provided, single submitter. Criteria: Ambry Variant Classification Scheme 2023. Collection method: clinical testing. Allele origin: germline.

Labcorp Genetics (formerly Invitae), Labcorp
Classification: Uncertain significance. Last evaluated: 2023-02-10. Review status: criteria provided, single submitter. Criteria: Invitae Variant Classification Sherloc (09022015). Collection method: clinical testing. Allele origin: germline.
Comment: In summary, the available evidence is currently insufficient to determine the role of this variant in disease. Therefore, it has been classified as a Variant of Uncertain Significance. Advanced modeling of protein sequence and biophysical properties (such as structural, functional, and spatial information, amino acid conservation, physicochemical variation, residue mobility, and thermodynamic stability) has been performed at Invitae for this missense variant, however the output from this modeling did not meet the statistical confidence thresholds required to predict the impact of this variant on WFS1 protein function. This variant has not been reported in the literature in individuals affected with WFS1-related conditions. This variant is present in population databases (no rsID available, gnomAD 0.0009%). This sequence change replaces cysteine, which is neutral and slightly polar, with glycine, which is neutral and non-polar, at codon 505 of the WFS1 protein (p.Cys505Gly).